The following is an entry in ClinVar:

NM_152866.3(MS4A1):c.391A>G (p.Met131Val)

Gene: MS4A1 (membrane spanning 4-domains A1; plus strand). Cytogenetic location: 11q12.2.
Variant type: single nucleotide variant.
Coding change: c.391A>G on transcript NM_152866.3 (MANE Select); coding-DNA position 391, A replaced by G.
Protein change: p.Met131Val; replaces methionine 131 with valine.
Molecular consequence: missense variant.
Genome position (GRCh38, 1-based): chr11:60,465,975, A>G. VCF-style: chr11-60465975-A-G. GRCh37 (hg19) VCF-style: chr11-60233448-A-G.
Other names: c.391A>G, p.Met131Val (NM_021950.4, NM_152867.2); short protein forms M131V.
Identifiers: ClinVar variation 4699553 (VCV004699553.1).

ClinVar aggregate classification (germline): Uncertain significance (1 of 4 stars; one submission).

Submission:

Labcorp Genetics (formerly Invitae), Labcorp
Classification: Uncertain significance. Last evaluated: 2025-11-24. Review status: criteria provided, single submitter. Criteria: Invitae Variant Classification Sherloc (09022015). Collection method: clinical testing. Allele origin: germline.
Comment: This sequence change replaces methionine, which is neutral and non-polar, with valine, which is neutral and non-polar, at codon 131 of the MS4A1 protein (p.Met131Val). This variant is not present in population databases (gnomAD no frequency). This variant has not been reported in the literature in individuals affected with MS4A1-related conditions. An algorithm developed to predict the effect of missense changes on protein structure and function outputs the following: PolyPhen-2: "Benign". The valine amino acid residue is found in multiple mammalian species, which suggests that this missense change does not adversely affect protein function. In summary, the available evidence is currently insufficient to determine the role of this variant in disease. Therefore, it has been classified as a Variant of Uncertain Significance.